The following is an entry in ClinVar:

ClinVar aggregate classification (germline): Uncertain significance. Review status: criteria provided, multiple submitters, no conflicts (2 of 4 stars). 3 submissions from 3 submitters: Uncertain significance (2). 1 of the submissions does not count toward it. Last evaluated 2022-08-23.

Conditions:
PCARE-related disorder. Also called: PCARE-related condition.

Allele frequency attached by ClinVar (database versions not stated): ExAC 0.00002; gnomAD 0.00003; gnomAD exomes 0.00004; TOPMed 0.00005.

Submissions (3):

Blueprint Genetics
Classification: Uncertain significance. Last evaluated: 2022-08-23. Review status: criteria provided, single submitter. Criteria: ACMG Guidelines, 2015. Collection method: clinical testing. Allele origin: germline.

Labcorp Genetics (formerly Invitae), Labcorp
Classification: Uncertain significance. Last evaluated: 2022-07-18. Review status: criteria provided, single submitter. Criteria: Invitae Variant Classification Sherloc (09022015). Collection method: clinical testing. Allele origin: germline.
Comment: This sequence change replaces tryptophan, which is neutral and slightly polar, with cysteine, which is neutral and slightly polar, at codon 380 of the PCARE protein (p.Trp380Cys). This variant is present in population databases (rs752707840, gnomAD 0.01%). This variant has not been reported in the literature in individuals affected with PCARE-related conditions. ClinVar contains an entry for this variant (Variation ID: 1061870). Algorithms developed to predict the effect of missense changes on protein structure and function are either unavailable or do not agree on the potential impact of this missense change (SIFT: "Deleterious"; PolyPhen-2: "Possibly Damaging"; Align-GVGD: "Class C0"). Algorithms developed to predict the effect of sequence changes on RNA splicing suggest that this variant may create or strengthen a splice site. In summary, the available evidence is currently insufficient to determine the role of this variant in disease. Therefore, it has been classified as a Variant of Uncertain Significance.

PreventionGenetics, part of Exact Sciences
Classification: Uncertain significance for PCARE-related condition. Last evaluated: 2024-09-12. Review status: no assertion criteria provided. Collection method: clinical testing. Allele origin: germline. Not counted in ClinVar's aggregate classification.
Comment: The PCARE c.1140G>T variant is predicted to result in the amino acid substitution p.Trp380Cys. To our knowledge, this variant has not been reported in the literature. This variant is reported in 0.0085% of alleles in individuals of Latino descent in gnomAD. At this time, the clinical significance of this variant is uncertain due to the absence of conclusive functional and genetic evidence.

NM_001029883.3(PCARE):c.1140G>T (p.Trp380Cys)

Gene: PCARE (photoreceptor cilium actin regulator; minus strand). Cytogenetic location: 2p23.2.
Variant type: single nucleotide variant.
Coding change: c.1140G>T on transcript NM_001029883.3 (MANE Select); coding-DNA position 1140, G replaced by T.
Protein change: p.Trp380Cys; replaces tryptophan 380 with cysteine.
Molecular consequence: missense variant.
Genome position (GRCh38, 1-based): chr2:29,073,122, C>A on the plus strand (G>T on the coding strand, the complement: PCARE is on the minus strand). VCF-style: chr2-29073122-C-A. GRCh37 (hg19) VCF-style: chr2-29295988-C-A.
Other names: c.1140G>T (NM_001029883.2); short protein forms W380C.
Identifiers: ClinVar variation 1061870 (VCV001061870.6), dbSNP rs752707840, ClinGen allele CA1592491.